The following is an entry in ClinVar:

NM_001129.5(AEBP1):c.3071A>G (p.Gln1024Arg)

Gene: AEBP1 (AE binding protein 1; plus strand). Cytogenetic location: 7p13.
Variant type: single nucleotide variant.
Coding change: c.3071A>G on transcript NM_001129.5 (MANE Select); coding-DNA position 3071, A replaced by G.
Protein change: p.Gln1024Arg; replaces glutamine 1024 with arginine.
Molecular consequence: missense variant.
Genome position (GRCh38, 1-based): chr7:44,113,855, A>G. VCF-style: chr7-44113855-A-G. GRCh37 (hg19) VCF-style: chr7-44153454-A-G.
Other names: c.3071A>G (NM_001129.4); short protein forms Q1024R.
Identifiers: ClinVar variation 3769515 (VCV003769515.3).

ClinVar aggregate classification (germline): Uncertain significance. Review status: criteria provided, multiple submitters, no conflicts (2 of 4 stars). 2 submissions from 2 submitters: Uncertain significance (2). Last evaluated 2025-03-21.

gnomAD v4.1: 11 of 1,613,666 alleles (0.00068%); highest among the groups gnomAD compares: African/African-American, 0.0027%; no homozygotes.

Submissions (2):

GeneDx
Classification: Uncertain significance. Last evaluated: 2025-03-21. Review status: criteria provided, single submitter. Criteria: GeneDx Variant Classification Process June 2021. Collection method: clinical testing. Allele origin: germline. Affected: yes.
Comment: Not observed at significant frequency in large population cohorts (gnomAD); In silico analysis indicates that this missense variant does not alter protein structure/function; Has not been previously published as pathogenic or benign to our knowledge

Women's Health and Genetics/Laboratory Corporation of America, LabCorp
Classification: Uncertain significance. Last evaluated: 2025-01-20. Review status: criteria provided, single submitter. Criteria: LabCorp Variant Classification Summary - May 2015. Collection method: clinical testing. Allele origin: germline.
Comment: Variant summary: AEBP1 c.3071A>G (p.Gln1024Arg) results in a conservative amino acid change in the encoded protein sequence. Five of five in-silico tools predict a benign effect of the variant on protein function. The variant allele was found at a frequency of 8e-06 in 250518 control chromosomes. The available data on variant occurrences in the general population are insufficient to allow any conclusion about variant significance. To our knowledge, no occurrence of c.3071A>G in individuals affected with Ehlers-Danlos syndrome, classic-like, 2 and no experimental evidence demonstrating its impact on protein function have been reported. No submitters have cited clinical-significance assessments for this variant to ClinVar. Based on the evidence outlined above, the variant was classified as uncertain significance.